The following is an entry in ClinVar:

ClinVar aggregate classification (germline): Uncertain significance. Review status: criteria provided, multiple submitters, no conflicts (2 of 4 stars). 2 submissions from 2 submitters: Uncertain significance (2). Last evaluated 2024-11-05.

Allele frequency attached by ClinVar (database versions not stated): gnomAD exomes below 0.00001 and 0.00001; gnomAD 0.00001; TOPMed 0.00001.
gnomAD v4.1: 14 of 1,612,014 alleles (0.00087%); highest among the groups gnomAD compares: Middle Eastern, 0.039%; no homozygotes.

Submissions (2):

Labcorp Genetics (formerly Invitae), Labcorp
Classification: Uncertain significance. Last evaluated: 2024-11-05. Review status: criteria provided, single submitter. Criteria: Invitae Variant Classification Sherloc (09022015). Collection method: clinical testing. Allele origin: germline.
Comment: This sequence change replaces aspartic acid, which is acidic and polar, with glycine, which is neutral and non-polar, at codon 1551 of the KIAA1549 protein (p.Asp1551Gly). This variant is present in population databases (no rsID available, gnomAD 0.003%). This variant has not been reported in the literature in individuals affected with KIAA1549-related conditions. ClinVar contains an entry for this variant (Variation ID: 961062). An algorithm developed to predict the effect of missense changes on protein structure and function (PolyPhen-2) suggests that this variant is likely to be disruptive. In summary, the available evidence is currently insufficient to determine the role of this variant in disease. Therefore, it has been classified as a Variant of Uncertain Significance.

Blueprint Genetics
Classification: Uncertain significance. Last evaluated: 2020-10-21. Review status: criteria provided, single submitter. Criteria: ACMG Guidelines, 2015. Collection method: clinical testing. Allele origin: germline.

NM_001164665.2(KIAA1549):c.4652A>G (p.Asp1551Gly)

Gene: KIAA1549 (KIAA1549; minus strand). Cytogenetic location: 7q34.
Variant type: single nucleotide variant.
Coding change: c.4652A>G on transcript NM_001164665.2 (MANE Select); coding-DNA position 4652, A replaced by G.
Protein change: p.Asp1551Gly; replaces aspartic acid 1551 with glycine.
Molecular consequence: missense variant.
Genome position (GRCh38, 1-based): chr7:138,869,661, T>C on the plus strand (A>G on the coding strand, the complement: KIAA1549 is on the minus strand). VCF-style: chr7-138869661-T-C. GRCh37 (hg19) VCF-style: chr7-138554407-T-C.
Other names: c.4652A>G, p.Asp1551Gly (NM_020910.3); short protein forms D1551G.
Identifiers: ClinVar variation 961062 (VCV000961062.9), dbSNP rs988555427, ClinGen allele CA167138046.